The following is an entry in ClinVar:

NM_001127217.3(SMAD9):c.781+2T>A

Gene: SMAD9 (SMAD family member 9; minus strand). Cytogenetic location: 13q13.3.
Variant type: single nucleotide variant.
Coding change: c.781+2T>A on transcript NM_001127217.3 (MANE Select); the canonical splice donor site of the intron after coding-DNA position 781, T replaced by A.
Molecular consequence: splice donor variant. On other transcripts: intron variant (2).
Genome position (GRCh38, 1-based): chr13:36,867,271, A>T on the plus strand (T>A on the coding strand, the complement: SMAD9 is on the minus strand). VCF-style: chr13-36867271-A-T. GRCh37 (hg19) VCF-style: chr13-37441408-A-T.
Other names: c.671-1513T>A (NM_005905.6, NM_001378621.1).
Identifiers: ClinVar variation 541761 (VCV000541761.9), dbSNP rs770716081, ClinGen allele CA6950480.

ClinVar aggregate classification (germline): Conflicting classifications of pathogenicity. Review status: criteria provided, conflicting classifications (1 of 4 stars). 3 submissions from 3 submitters: Likely pathogenic (2); Uncertain significance (1). Last evaluated 2025-04-12.

Conditions:
Pulmonary hypertension, primary, 2. Identifiers: Orphanet 422, MedGen C3888002, MONDO:0014134, OMIM 615342.

Allele frequency attached by ClinVar (database versions not stated): TOPMed 0.00007; gnomAD exomes 0.00008 and 0.00019; ExAC 0.00009; gnomAD 0.00009 and 0.00010.
gnomAD v4.1: 275 of 1,524,730 alleles (0.018%); highest among the groups gnomAD compares: Non-Finnish European, 0.023%; no homozygotes.

Submissions (3):

Labcorp Genetics (formerly Invitae), Labcorp
Classification: Likely pathogenic for Pulmonary hypertension, primary, 2. Last evaluated: 2025-04-12. Review status: criteria provided, single submitter. Criteria: Invitae Variant Classification Sherloc (09022015). Collection method: clinical testing. Allele origin: germline.
Comment: This sequence change affects a donor splice site in intron 4 of the SMAD9 gene. It is expected to disrupt RNA splicing. Variants that disrupt the donor or acceptor splice site typically lead to a loss of protein function (PMID: 16199547), and loss-of-function variants in SMAD9 are known to be pathogenic (PMID: 19419974, 31727138). This variant is present in population databases (rs770716081, gnomAD 0.02%). This variant has not been reported in the literature in individuals affected with SMAD9-related conditions. ClinVar contains an entry for this variant (Variation ID: 541761). Algorithms developed to predict the effect of sequence changes on RNA splicing suggest that this variant may disrupt the consensus splice site. In summary, the currently available evidence indicates that the variant is pathogenic, but additional data are needed to prove that conclusively. Therefore, this variant has been classified as Likely Pathogenic.

GeneDx
Classification: Uncertain significance. Last evaluated: 2024-12-19. Review status: criteria provided, single submitter. Criteria: GeneDx Variant Classification Process June 2021. Collection method: clinical testing. Allele origin: germline. Affected: yes.
Comment: Canonical splice site variant predicted to result in an in-frame loss of the adjacent exon in a gene for which loss of function is a known mechanism of disease; Identified in a patient with hypoplastic left heart syndrome, however, this patient also harbors variants in other genes (PMID: 28530678); This variant is associated with the following publications: (PMID: 28530678)

Fulgent Genetics
Classification: Likely pathogenic for Pulmonary hypertension, primary, 2. Last evaluated: 2021-11-11. Review status: criteria provided, single submitter. Criteria: ACMG Guidelines, 2015. Collection method: clinical testing. Allele origin: unknown.

Literature cited by the submitters: PubMed 16199547 (cited by Labcorp Genetics (formerly Invitae), Labcorp); PubMed 19419974 (cited by Labcorp Genetics (formerly Invitae), Labcorp); PubMed 31727138 (cited by Labcorp Genetics (formerly Invitae), Labcorp).